The following is an entry in ClinVar:

NM_001365276.2(TNXB):c.2716G>T (p.Val906Leu)

Gene: TNXB (tenascin XB; minus strand). Cytogenetic location: 6p21.33.
Variant type: single nucleotide variant.
Coding change: c.2716G>T on transcript NM_001365276.2 (MANE Select); coding-DNA position 2716, G replaced by T.
Protein change: p.Val906Leu; replaces valine 906 with leucine.
Molecular consequence: missense variant.
Genome position (GRCh38, 1-based): chr6:32,088,848, C>A on the plus strand (G>T on the coding strand, the complement: TNXB is on the minus strand). VCF-style: chr6-32088848-C-A. GRCh37 (hg19) VCF-style: chr6-32056625-C-A.
Other names: p.Val906Leu; c.2716G>T, p.Val906Leu (NM_019105.8); short protein forms V906L.
Identifiers: ClinVar variation 1216475 (VCV001216475.10), dbSNP rs189944258, ClinGen allele CA3735427.

ClinVar aggregate classification (germline): Benign/Likely benign. Review status: criteria provided, multiple submitters, no conflicts (2 of 4 stars). 5 submissions from 5 submitters: Benign (1); Likely benign (4). Last evaluated 2026-04-21.

Conditions:
Cardiovascular phenotype. Identifiers: MedGen CN230736.

Allele frequency attached by ClinVar (database versions not stated): gnomAD exomes 0.00065; ExAC 0.00125; ESP Exome Variant Server 0.00143; 1000 Genomes Project 30x 0.00156; 1000 Genomes Project 0.00160; gnomAD 0.00257 and 0.00280; TOPMed 0.00295.
gnomAD v4.1: 791 of 1,584,344 alleles (0.05%); highest among the groups gnomAD compares: African/African-American, 0.89%; 11 homozygotes.

Submissions (5):

Women's Health and Genetics/Laboratory Corporation of America, LabCorp
Classification: Likely benign. Last evaluated: 2026-04-21. Review status: criteria provided, single submitter. Criteria: LabCorp Variant Classification Summary - May 2015. Collection method: clinical testing. Allele origin: germline.
Comment: Variant summary: TNXB c.2716G>T (p.Val906Leu) results in a conservative amino acid change located in the Fibronectin type-III domain(IPR003961) of the encoded protein sequence. Algorithms developed to predict the effect of missense changes on protein structure and function all suggest that this variant is likely to be tolerated. The variant allele was found at a frequency of 0.00065 in 204300 control chromosomes, predominantly at a frequency of 0.0092 within the African or African-American subpopulation in the gnomAD database. The observed variant frequency within African or African-American control individuals in the gnomAD database exceeds the estimated maximal expected allele frequency for disease-causing variants in TNXB. To our knowledge, no occurrence of c.2716G>T in individuals affected with TNXB-related conditions and no experimental evidence demonstrating its impact on protein function have been reported. ClinVar contains an entry for this variant (Variation ID: 1216475). Based on the evidence outlined above, the variant was classified as likely benign.

Labcorp Genetics (formerly Invitae), Labcorp
Classification: Benign. Last evaluated: 2026-02-04. Review status: criteria provided, single submitter. Criteria: Invitae Variant Classification Sherloc (09022015). Collection method: clinical testing. Allele origin: germline.

Mayo Clinic Laboratories, Mayo Clinic
Classification: Likely benign. Last evaluated: 2025-01-07. Review status: criteria provided, single submitter. Criteria: ACMG Guidelines, 2015. Collection method: clinical testing. Allele origin: germline. Observed: 1 variant allele.
Comment: BS1, BP4

Ambry Genetics
Classification: Likely benign for Cardiovascular phenotype. Last evaluated: 2023-03-07. Review status: criteria provided, single submitter. Criteria: Ambry Variant Classification Scheme 2023. Collection method: clinical testing. Allele origin: germline.

GeneDx
Classification: Likely benign. Last evaluated: 2020-07-13. Review status: criteria provided, single submitter. Criteria: GeneDx Variant Classification Process June 2021. Collection method: clinical testing. Allele origin: germline. Affected: yes.